The following is an entry in ClinVar:

NM_001367624.2(ZNF469):c.2470C>G (p.Pro824Ala)

Gene: ZNF469 (zinc finger protein 469; plus strand). Cytogenetic location: 16q24.2.
Variant type: single nucleotide variant.
Coding change: c.2470C>G on transcript NM_001367624.2 (MANE Select); coding-DNA position 2470, C replaced by G.
Protein change: p.Pro824Ala; replaces proline 824 with alanine.
Molecular consequence: missense variant.
Genome position (GRCh38, 1-based): chr16:88,429,940, C>G. VCF-style: chr16-88429940-C-G. GRCh37 (hg19) VCF-style: chr16-88496348-C-G.
Other names: NM_001127464.2:c.2470C>G; short protein forms P824A.
Identifiers: ClinVar variation 4996799 (VCV004996799.1).

ClinVar aggregate classification (germline): Uncertain significance (1 of 4 stars; one submission).

Conditions:
ZNF469-related disorder. Also called: ZNF469-related condition.

gnomAD v4.1: 4 of 1,550,334 alleles (0.00026%); highest among the groups gnomAD compares: East Asian, 0.0098%; no homozygotes.

Submission:

PreventionGenetics, part of Exact Sciences
Classification: Uncertain significance for ZNF469-related condition. Last evaluated: 2025-05-21. Review status: criteria provided, single submitter. Criteria: ACMG Guidelines, 2015. Collection method: clinical testing. Allele origin: germline.
Comment: The ZNF469 c.2470C>G variant is predicted to result in the amino acid substitution p.Pro824Ala. To our knowledge, this variant has not been reported in the literature or in a large population database (gnomAD), indicating this variant is rare. At the time of reporting this variant is absent in ClinVar. At this time, the clinical significance of this variant is uncertain due to the absence of conclusive functional and genetic evidence.